The following is an entry in ClinVar:

NM_004795.4(KL):c.15C>T (p.Ala5=)

Gene: KL (klotho; plus strand). Cytogenetic location: 13q13.1.
Variant type: single nucleotide variant.
Coding change: c.15C>T on transcript NM_004795.4 (MANE Select); coding-DNA position 15, C replaced by T.
Protein change: p.Ala5=; no amino-acid change (alanine 5 retained).
Molecular consequence: synonymous variant.
Genome position (GRCh38, 1-based): chr13:33,016,455, C>T. VCF-style: chr13-33016455-C-T. GRCh37 (hg19) VCF-style: chr13-33590593-C-T.
Other names: p.Ala5=.
Identifiers: ClinVar variation 881364 (VCV000881364.13), dbSNP rs934153273, ClinGen allele CA247507246.
Genomic context (GRCh38, chr13:33,016,455, plus strand): 5'-ATAAAGGGGCGCGGCGCGGGGCCCCGGAGCCTGGCTCCCGCGCAGCATGCCCGCCAGCGC[C>T]CCGCCGCGCCGCCCGCGGCCGCCGCCGCCGTCGCTGTCGCTGCTGCTGGTGCTGCTGGGC-3'
Protein context (NP_004786.2, residues 1-15): MPAS[Ala5=]PPRRPRPPPP

ClinVar aggregate classification (germline): Conflicting classifications of pathogenicity. Review status: criteria provided, conflicting classifications (1 of 4 stars). 4 submissions from 4 submitters: Uncertain significance (1); Likely benign (3). Last evaluated 2025-12-16.

Conditions:
Tumoral calcinosis, hyperphosphatemic, familial, 3. Identifiers: MedGen C4693864, MONDO:0060715, OMIM 617994.

Allele frequency attached by ClinVar (database versions not stated): TOPMed 0.00091; gnomAD 0.00092 and 0.00098; gnomAD exomes 0.01563.
gnomAD v4.1: 1,459 of 964,242 alleles (0.15%); highest among the groups gnomAD compares: Non-Finnish European, 0.17%; 3 homozygotes.

Submissions (4):

Labcorp Genetics (formerly Invitae), Labcorp
Classification: Likely benign. Last evaluated: 2025-12-16. Review status: criteria provided, single submitter. Criteria: Invitae Variant Classification Sherloc (09022015). Collection method: clinical testing. Allele origin: germline.

Mayo Clinic Laboratories, Mayo Clinic
Classification: Likely benign. Last evaluated: 2025-02-27. Review status: criteria provided, single submitter. Criteria: ACMG Guidelines, 2015. Collection method: clinical testing. Allele origin: germline. Observed: 3 variant alleles.
Comment: BP4, BP7

Blueprint Genetics
Classification: Likely benign. Last evaluated: 2024-11-04. Review status: criteria provided, single submitter. Criteria: ACMG Guidelines, 2015. Collection method: clinical testing. Allele origin: germline.

Illumina Laboratory Services, Illumina
Classification: Uncertain significance for Tumoral calcinosis, hyperphosphatemic, familial, 3. Last evaluated: 2017-04-27. Review status: criteria provided, single submitter. Criteria: ICSL Variant Classification Criteria 13 December 2019. Collection method: clinical testing. Allele origin: germline.